The following is an entry in ClinVar:

NM_024757.5(EHMT1):c.949A>G (p.Lys317Glu)

Gene: EHMT1 (euchromatic histone lysine methyltransferase 1; plus strand). Cytogenetic location: 9q34.3.
Variant type: single nucleotide variant.
Coding change: c.949A>G on transcript NM_024757.5 (MANE Select); coding-DNA position 949, A replaced by G.
Protein change: p.Lys317Glu; replaces lysine 317 with glutamic acid.
Molecular consequence: missense variant.
Genome position (GRCh38, 1-based): chr9:137,743,496, A>G. VCF-style: chr9-137743496-A-G. GRCh37 (hg19) VCF-style: chr9-140637948-A-G.
Other names: c.949A>G, p.Lys317Glu (NM_001145527.2, NM_001354611.2); c.856A>G, p.Lys286Glu (NM_001354259.2, NM_001354612.2); c.928A>G, p.Lys310Glu (NM_001354263.2); short protein forms K286E, K310E, K317E.
Identifiers: ClinVar variation 1311672 (VCV001311672.6), dbSNP rs771464978, ClinGen allele CA5374452.
Genomic context (GRCh38, chr9:137,743,496, plus strand): 5'-AGCCTGGTTCCTAAGAAAAAGACCAAAGTATTAAAACAGAGGACGGTGATTGAGATGTTT[A>G]AGAGCATAACTCATTCCACTGTGGGTTCCAAGGTAAGAGACGCATTTGAGTGAGTTGCCA-3'
Protein context (NP_079033.4, residues 307-327): LKQRTVIEMF[Lys317Glu]SITHSTVGSK

ClinVar aggregate classification (germline): Uncertain significance. Review status: criteria provided, multiple submitters, no conflicts (2 of 4 stars). 3 submissions from 3 submitters: Uncertain significance (3). Last evaluated 2025-05-05.

Conditions:
Kleefstra syndrome 1 (KLEFS1). Identifiers: Orphanet 261494, MedGen C0795833, MONDO:0027407, OMIM 610253.
Inborn genetic diseases. Identifiers: MedGen C0950123, MeSH D030342.

Allele frequency attached by ClinVar (database versions not stated): gnomAD exomes below 0.00001; ExAC 0.00001.
gnomAD v4.1: 2 of 1,614,184 alleles (0.00012%); highest among the groups gnomAD compares: Non-Finnish European, 0.00017%; no homozygotes.

Submissions (3):

Ambry Genetics
Classification: Uncertain significance for Inborn genetic diseases. Last evaluated: 2025-05-05. Review status: criteria provided, single submitter. Criteria: Ambry Variant Classification Scheme 2023. Collection method: clinical testing. Allele origin: germline.

Labcorp Genetics (formerly Invitae), Labcorp
Classification: Uncertain significance for Kleefstra syndrome 1. Last evaluated: 2025-02-02. Review status: criteria provided, single submitter. Criteria: Invitae Variant Classification Sherloc (09022015). Collection method: clinical testing. Allele origin: germline.
Comment: This sequence change replaces lysine, which is basic and polar, with glutamic acid, which is acidic and polar, at codon 317 of the EHMT1 protein (p.Lys317Glu). This variant is present in population databases (rs771464978, gnomAD 0.0009%). This variant has not been reported in the literature in individuals affected with EHMT1-related conditions. ClinVar contains an entry for this variant (Variation ID: 1311672). An algorithm developed to predict the effect of missense changes on protein structure and function (PolyPhen-2) suggests that this variant is likely to be tolerated. In summary, the available evidence is currently insufficient to determine the role of this variant in disease. Therefore, it has been classified as a Variant of Uncertain Significance.

GeneDx
Classification: Uncertain significance. Last evaluated: 2022-08-26. Review status: criteria provided, single submitter. Criteria: GeneDx Variant Classification Process June 2021. Collection method: clinical testing. Allele origin: germline. Affected: yes.
Comment: Not observed at significant frequency in large population cohorts (gnomAD); In silico analysis supports that this missense variant does not alter protein structure/function; Has not been previously published as pathogenic or benign to our knowledge